The following is an entry in ClinVar:

ClinVar aggregate classification (germline): Benign/Likely benign. Review status: criteria provided, multiple submitters, no conflicts (2 of 4 stars). 2 submissions from 2 submitters: Benign (1); Likely benign (1). Last evaluated 2026-04-01.

Allele frequency attached by ClinVar (database versions not stated): 1000 Genomes Project 0.00080; 1000 Genomes Project 30x 0.00094; TOPMed 0.00133; gnomAD 0.00143 and 0.00148; ESP Exome Variant Server 0.00146; ExAC 0.00164.
gnomAD v4.1: 3,394 of 1,607,342 alleles (0.21%); highest among the groups gnomAD compares: Non-Finnish European, 0.27%; 6 homozygotes.

Submissions (2):

CeGaT Center for Human Genetics Tuebingen
Classification: Likely benign. Last evaluated: 2026-04-01. Review status: criteria provided, single submitter. Criteria: CeGaT Center For Human Genetics Tuebingen Variant Classification Criteria Version 2. Collection method: clinical testing. Allele origin: germline. Affected: yes. Observed: 2 variant alleles.
Comment: SPIB: BP4, BP7

Labcorp Genetics (formerly Invitae), Labcorp
Classification: Benign. Last evaluated: 2018-07-11. Review status: criteria provided, single submitter. Criteria: Invitae Variant Classification Sherloc (09022015). Collection method: clinical testing. Allele origin: germline.

NM_003121.5(SPIB):c.483C>T (p.Ser161=)

Gene: SPIB (Spi-B transcription factor; plus strand). Cytogenetic location: 19q13.33.
Variant type: single nucleotide variant.
Coding change: c.483C>T on transcript NM_003121.5 (MANE Select); coding-DNA position 483, C replaced by T.
Protein change: p.Ser161=; no amino-acid change (serine 161 retained).
Molecular consequence: synonymous variant.
Genome position (GRCh38, 1-based): chr19:50,423,748, C>T. VCF-style: chr19-50423748-C-T. GRCh37 (hg19) VCF-style: chr19-50927005-C-T.
Other names: c.210C>T, p.Ser70= (NM_001243998.2); c.483C>T, p.Ser161= (NM_001243999.2); c.390C>T, p.Ser130= (NM_001244000.2).
Identifiers: ClinVar variation 784719 (VCV000784719.7), dbSNP rs117090800, ClinGen allele CA9597073.
Genomic context (GRCh38, chr19:50,423,748, plus strand): 5'-GGAGGTCTCGGACAGCGAGTCGGATGAGGCCCTCGTGGCTGGCCCCGAGGGGAAGGGATC[C>T]GAGGCAGGTATGCGGGAGTGGCTGGGGTGGGGGAGATGCCAGCTGGAGATGGTGGGGGGG-3'
Protein context (NP_003112.2, residues 151-171): ALVAGPEGKG[Ser161=]EAGTRKKLRL